The following is an entry in ClinVar:

NM_014994.3(MAPKBP1):c.2864A>T (p.Asp955Val)

Gene: MAPKBP1 (mitogen-activated protein kinase binding protein 1; plus strand). Cytogenetic location: 15q15.1.
Variant type: single nucleotide variant.
Coding change: c.2864A>T on transcript NM_014994.3 (MANE Select); coding-DNA position 2864, A replaced by T.
Protein change: p.Asp955Val; replaces aspartic acid 955 with valine.
Molecular consequence: missense variant. On other transcripts: non-coding transcript variant (2).
Genome position (GRCh38, 1-based): chr15:41,821,729, A>T. VCF-style: chr15-41821729-A-T. GRCh37 (hg19) VCF-style: chr15-42113927-A-T.
Other names: c.2882A>T, p.Asp961Val (NM_001128608.2); c.2864A>T, p.Asp955Val (NM_001265611.2); short protein forms D955V, D961V.
Identifiers: ClinVar variation 2279617 (VCV002279617.5), dbSNP rs2065000966, ClinGen allele CA391872730.

ClinVar aggregate classification (germline): Uncertain significance. Review status: criteria provided, multiple submitters, no conflicts (2 of 4 stars). 2 submissions from 2 submitters: Uncertain significance (2). Last evaluated 2023-08-10.

Conditions:
Inborn genetic diseases. Identifiers: MedGen C0950123, MeSH D030342.

Allele frequency attached by ClinVar (database versions not stated): gnomAD exomes 0.00001.
gnomAD v4.1: 4 of 1,614,060 alleles (0.00025%); highest among the groups gnomAD compares: Non-Finnish European, 0.00034%; no homozygotes.

Submissions (2):

Labcorp Genetics (formerly Invitae), Labcorp
Classification: Uncertain significance. Last evaluated: 2023-08-10. Review status: criteria provided, single submitter. Criteria: Invitae Variant Classification Sherloc (09022015). Collection method: clinical testing. Allele origin: germline.
Comment: ClinVar contains an entry for this variant (Variation ID: 2279617). An algorithm developed to predict the effect of missense changes on protein structure and function (PolyPhen-2) suggests that this variant is likely to be tolerated. In summary, the available evidence is currently insufficient to determine the role of this variant in disease. Therefore, it has been classified as a Variant of Uncertain Significance. This variant has not been reported in the literature in individuals affected with MAPKBP1-related conditions. This sequence change replaces aspartic acid, which is acidic and polar, with valine, which is neutral and non-polar, at codon 961 of the MAPKBP1 protein (p.Asp961Val). This variant is not present in population databases (gnomAD no frequency).

Ambry Genetics
Classification: Uncertain significance for Inborn genetic diseases. Last evaluated: 2022-03-23. Review status: criteria provided, single submitter. Criteria: Ambry Variant Classification Scheme 2023. Collection method: clinical testing. Allele origin: germline.